The following is an entry in ClinVar:

ClinVar aggregate classification (germline): Uncertain significance (1 of 4 stars; one submission).

gnomAD v4.1: 3 of 1,611,446 alleles (0.00019%); highest among the groups gnomAD compares: African/African-American, 0.0013%; no homozygotes.

Submission:

Labcorp Genetics (formerly Invitae), Labcorp
Classification: Uncertain significance. Last evaluated: 2025-03-18. Review status: criteria provided, single submitter. Criteria: Invitae Variant Classification Sherloc (09022015). Collection method: clinical testing. Allele origin: germline.
Comment: This sequence change replaces isoleucine, which is neutral and non-polar, with threonine, which is neutral and polar, at codon 4166 of the ANK3 protein (p.Ile4166Thr). This variant is present in population databases (rs758933057, gnomAD 0.01%). This variant has not been reported in the literature in individuals affected with ANK3-related conditions. Invitae Evidence Modeling of protein sequence and biophysical properties (such as structural, functional, and spatial information, amino acid conservation, physicochemical variation, residue mobility, and thermodynamic stability) has been performed for this missense variant. However, the output from this modeling did not meet the statistical confidence thresholds required to predict the impact of this variant on ANK3 protein function. In summary, the available evidence is currently insufficient to determine the role of this variant in disease. Therefore, it has been classified as a Variant of Uncertain Significance.

NM_020987.5(ANK3):c.12497T>C (p.Ile4166Thr)

Gene: ANK3 (ankyrin 3; minus strand). Cytogenetic location: 10q21.2.
Variant type: single nucleotide variant.
Coding change: c.12497T>C on transcript NM_020987.5 (MANE Select); coding-DNA position 12497, T replaced by C.
Protein change: p.Ile4166Thr; replaces isoleucine 4166 with threonine.
Molecular consequence: missense variant.
Genome position (GRCh38, 1-based): chr10:60,063,209, A>G on the plus strand (T>C on the coding strand, the complement: ANK3 is on the minus strand). VCF-style: chr10-60063209-A-G. GRCh37 (hg19) VCF-style: chr10-61822967-A-G.
Other names: c.2060T>C, p.Ile687Thr (NM_001149.4); c.4640T>C, p.Ile1547Thr (NM_001204403.2); c.4661T>C, p.Ile1554Thr (NM_001204404.2); c.4658T>C, p.Ile1553Thr (NM_001320874.2); short protein forms I1553T, I1554T, I4166T, I687T, I1547T.
Identifiers: ClinVar variation 3681136 (VCV003681136.2).